The following is an entry in ClinVar:

NM_000540.3(RYR1):c.5431G>T (p.Ala1811Ser)

Gene: RYR1 (ryanodine receptor 1; plus strand). Cytogenetic location: 19q13.2.
Variant type: single nucleotide variant.
Coding change: c.5431G>T on transcript NM_000540.3 (MANE Select); coding-DNA position 5431, G replaced by T.
Protein change: p.Ala1811Ser; replaces alanine 1811 with serine.
Molecular consequence: missense variant.
Genome position (GRCh38, 1-based): chr19:38,486,086, G>T. VCF-style: chr19-38486086-G-T. GRCh37 (hg19) VCF-style: chr19-38976726-G-T.
Other names: c.5431G>T, p.Ala1811Ser (NM_001042723.2); short protein forms A1811S.
Identifiers: ClinVar variation 2787437 (VCV002787437.4), dbSNP rs901793942, ClinGen allele CA405655228.

ClinVar aggregate classification (germline): Uncertain significance. Review status: criteria provided, multiple submitters, no conflicts (2 of 4 stars). 2 submissions from 2 submitters: Uncertain significance (2). Last evaluated 2023-07-26.

Conditions:
Malignant hyperthermia, susceptibility to, 1 (MHS1). Also called: Malignant hyperthermia suceptibility 1; Anesthesia related hyperthermia; Malignant hyperpyrexia; Fulminating hyperpyrexia; Pharmacogenic myopathy; RYR1-Related Malignant Hyperthermia Susceptibility. Identifiers: Orphanet 423, MedGen C2930980, MONDO:0007783, OMIM 145600.
RYR1-related disorder. Also called: RYR1-related condition; RYR1-related disorders. Identifiers: MedGen CN239331.

Submissions (2):

Labcorp Genetics (formerly Invitae), Labcorp
Classification: Uncertain significance for RYR1-related disorder. Last evaluated: 2023-07-26. Review status: criteria provided, single submitter. Criteria: Invitae Variant Classification Sherloc (09022015). Collection method: clinical testing. Allele origin: germline.
Comment: In summary, the available evidence is currently insufficient to determine the role of this variant in disease. Therefore, it has been classified as a Variant of Uncertain Significance. This sequence change replaces alanine, which is neutral and non-polar, with serine, which is neutral and polar, at codon 1811 of the RYR1 protein (p.Ala1811Ser). This variant is not present in population databases (gnomAD no frequency). This variant has not been reported in the literature in individuals affected with RYR1-related conditions. Advanced modeling of protein sequence and biophysical properties (such as structural, functional, and spatial information, amino acid conservation, physicochemical variation, residue mobility, and thermodynamic stability) performed at Invitae indicates that this missense variant is not expected to disrupt RYR1 protein function.

All of Us Research Program, National Institutes of Health
Classification: Uncertain significance for Malignant hyperthermia, susceptibility to, 1. Last evaluated: 2023-06-26. Review status: criteria provided, single submitter. Criteria: ACMG Guidelines, 2015. Collection method: clinical testing. Allele origin: germline. Inheritance: Autosomal dominant inheritance. Observed: 1 variant allele, 1 heterozygote.
Comment: This missense variant replaces alanine with serine at codon 1811 of the RYR1 protein. Computational prediction suggests that this variant may not impact protein structure and function (internally defined REVEL score threshold <= 0.5, PMID: 27666373). To our knowledge, functional studies have not been reported for this variant. This variant has not been reported in individuals affected with RYR1-related disorders in the literature. This variant has not been identified in the general population by the Genome Aggregation Database (gnomAD). The available evidence is insufficient to determine the role of this variant in disease conclusively. Therefore, this variant is classified as a Variant of Uncertain Significance.

This study involves interpretation of variants in research participants for the purpose of population health screening. Participant phenotype was not available at the time of variant classification. Additional details can be found in publication PMID: 35346344, PMCID: PMC8962531